The following is an entry in ClinVar:

NM_001039660.2(IL18BP):c.532C>T (p.Pro178Ser)

Gene: IL18BP (interleukin 18 binding protein; plus strand). Cytogenetic location: 11q13.4.
Variant type: single nucleotide variant.
Coding change: c.532C>T on transcript NM_001039660.2 (MANE Select); coding-DNA position 532, C replaced by T.
Protein change: p.Pro178Ser; replaces proline 178 with serine.
Molecular consequence: missense variant. On other transcripts: 3 prime UTR variant (1).
Genome position (GRCh38, 1-based): chr11:72,001,808, C>T. VCF-style: chr11-72001808-C-T. GRCh37 (hg19) VCF-style: chr11-71712854-C-T.
Other names: c.532C>T, p.Pro178Ser (NM_001039659.2, NM_001145057.1, NM_173042.2); c.260C>T, p.Pro87Leu (NM_001145055.1); c.*163C>T (NM_005699.3); c.404C>T, p.Pro135Leu (NM_173044.3); short protein forms P135L, P178S, P87L.
Identifiers: ClinVar variation 2862339 (VCV002862339.3), dbSNP rs2495876361, ClinGen allele CA381725398.

ClinVar aggregate classification (germline): Uncertain significance (1 of 4 stars; one submission).

Allele frequency attached by ClinVar (database versions not stated): gnomAD exomes below 0.00001.
gnomAD v4.1: 1 of 1,614,126 alleles (0.000062%); highest among the groups gnomAD compares: South Asian, 0.0011%; no homozygotes.

Submission:

Labcorp Genetics (formerly Invitae), Labcorp
Classification: Uncertain significance. Last evaluated: 2023-05-05. Review status: criteria provided, single submitter. Criteria: Invitae Variant Classification Sherloc (09022015). Collection method: clinical testing. Allele origin: germline.
Comment: This variant has not been reported in the literature in individuals affected with IL18BP-related conditions. Algorithms developed to predict the effect of missense changes on protein structure and function output the following: SIFT: "Not Available"; PolyPhen-2: "Benign"; Align-GVGD: "Not Available". The serine amino acid residue is found in multiple mammalian species, which suggests that this missense change does not adversely affect protein function. In summary, the available evidence is currently insufficient to determine the role of this variant in disease. Therefore, it has been classified as a Variant of Uncertain Significance. This variant is not present in population databases (gnomAD no frequency). This sequence change replaces proline, which is neutral and non-polar, with serine, which is neutral and polar, at codon 178 of the IL18BP protein (p.Pro178Ser).